The following is an entry in ClinVar:

ClinVar aggregate classification (germline): Uncertain significance. Review status: criteria provided, multiple submitters, no conflicts (2 of 4 stars). 2 submissions from 2 submitters: Uncertain significance (2). Last evaluated 2025-05-19.

Conditions:
Hypertrophic cardiomyopathy. Also called: HYPERTROPHIC MYOCARDIOPATHY. Identifiers: Orphanet 217569, MedGen C0007194, MeSH D002312, MONDO:0005045, HP:0001639.

Allele frequency attached by ClinVar (database versions not stated): gnomAD exomes below 0.00001.
gnomAD v4.1: 1 of 1,613,914 alleles (0.000062%); highest among the groups gnomAD compares: Admixed American, 0.0017%; no homozygotes.

Submissions (2):

Ambry Genetics
Classification: Uncertain significance. Last evaluated: 2025-05-19. Review status: criteria provided, single submitter. Criteria: Ambry Variant Classification Scheme 2023. Collection method: clinical testing. Allele origin: germline.

Labcorp Genetics (formerly Invitae), Labcorp
Classification: Uncertain significance for Hypertrophic cardiomyopathy. Last evaluated: 2022-08-16. Review status: criteria provided, single submitter. Criteria: Invitae Variant Classification Sherloc (09022015). Collection method: clinical testing. Allele origin: germline.
Comment: This sequence change replaces glutamic acid, which is acidic and polar, with lysine, which is basic and polar, at codon 629 of the MYOM1 protein (p.Glu629Lys). This variant is present in population databases (no rsID available, gnomAD 0.003%). This variant has not been reported in the literature in individuals affected with MYOM1-related conditions. ClinVar contains an entry for this variant (Variation ID: 837959). Algorithms developed to predict the effect of missense changes on protein structure and function are either unavailable or do not agree on the potential impact of this missense change (SIFT: "Tolerated"; PolyPhen-2: "Possibly Damaging"; Align-GVGD: "Class C0"). In summary, the available evidence is currently insufficient to determine the role of this variant in disease. Therefore, it has been classified as a Variant of Uncertain Significance.

NM_003803.4(MYOM1):c.1885G>A (p.Glu629Lys)

Gene: MYOM1 (myomesin 1; minus strand). Cytogenetic location: 18p11.31.
Variant type: single nucleotide variant.
Coding change: c.1885G>A on transcript NM_003803.4 (MANE Select); coding-DNA position 1885, G replaced by A.
Protein change: p.Glu629Lys; replaces glutamic acid 629 with lysine.
Molecular consequence: missense variant.
Genome position (GRCh38, 1-based): chr18:3,149,160, C>T on the plus strand (G>A on the coding strand, the complement: MYOM1 is on the minus strand). VCF-style: chr18-3149160-C-T. GRCh37 (hg19) VCF-style: chr18-3149158-C-T.
Other names: c.1885G>A, p.Glu629Lys (NM_019856.2); short protein forms E629K.
Identifiers: ClinVar variation 837959 (VCV000837959.10), dbSNP rs1221446387, ClinGen allele CA401713882.
Genomic context (GRCh38, chr18:3,149,160, plus strand): 5'-TAGCAAAACATCAGCAATAGTATCTGGGGCAACCAGACTTCTTACCTGAAGGTTCCTCTT[C>T]AGTAACAATGATCTGTCCAGTCCAGGGTGCTGAGGGGCGACCTGAATAAAGACAAATATA-3'
Protein context (NP_003794.3, residues 619-639): APWTGQIIVT[Glu629Lys]EEPSEGIVPG